The following is an entry in ClinVar:

ClinVar aggregate classification (germline): Pathogenic/Likely pathogenic. Review status: criteria provided, multiple submitters, no conflicts (2 of 4 stars). 3 submissions from 3 submitters: Pathogenic (2); Likely pathogenic (1). Last evaluated 2025-11-21.

Conditions:
Marfan syndrome (MFS). Also called: Marfan syndrome type 1; Marfan syndrome, classic; Marfan's syndrome; FBN1-Related Marfan Syndrome; MARFAN SYNDROME, TYPE I. Identifiers: Orphanet 284963, Orphanet 558, MedGen C0024796, MONDO:0007947, OMIM 154700.

Submissions (3):

3billion
Classification: Pathogenic for Marfan syndrome. Last evaluated: 2025-11-21. Review status: criteria provided, single submitter. Criteria: ACMG Guidelines, 2015. Collection method: clinical testing. Allele origin: germline. Affected: yes.
Comment: The variant is not observed in the gnomAD v4.1.0 dataset. Predicted Consequence/Location: Stop-gained (nonsense): predicted to result in a loss or disruption of normal protein function through nonsense-mediated decay (NMD) or protein truncation. Multiple pathogenic variants are reported downstream of the variant. The variant has been reported at least twice as pathogenic without evidence for the classification (ClinVar ID: VCV000547347 /PMID: 27906200). Therefore, this variant is classified as Pathogenic according to the recommendation of ACMG/AMP guideline.

Laboratoire Génétique Moléculaire, CHRU TOURS
Classification: Pathogenic. Last evaluated: 2020-12-07. Review status: criteria provided, single submitter. Criteria: ACMG Guidelines, 2015. Collection method: clinical testing. Allele origin: paternal. Affected: yes.

Center for Human Genetics, Inc
Classification: Likely pathogenic for Marfan syndrome. Last evaluated: 2016-11-01. Review status: criteria provided, single submitter. Criteria: ACMG Guidelines, 2015. Collection method: clinical testing. Allele origin: germline. Affected: yes.

Literature cited by the submitters: PubMed 27906200 (cited by 3billion).

NM_000138.5(FBN1):c.7800C>G (p.Tyr2600Ter)

Gene: FBN1 (fibrillin 1; minus strand). Cytogenetic location: 15q21.1.
Variant type: single nucleotide variant.
Coding change: c.7800C>G on transcript NM_000138.5 (MANE Select); coding-DNA position 7800, C replaced by G.
Protein change: p.Tyr2600Ter; replaces tyrosine 2600 with a stop codon.
Molecular consequence: nonsense.
Genome position (GRCh38, 1-based): chr15:48,420,706, G>C on the plus strand (C>G on the coding strand, the complement: FBN1 is on the minus strand). VCF-style: chr15-48420706-G-C. GRCh37 (hg19) VCF-style: chr15-48712903-G-C.
Other names: short protein forms Y2600*.
Identifiers: ClinVar variation 547347 (VCV000547347.3), dbSNP rs1404133653, ClinGen allele CA392324484.